The following is an entry in ClinVar:

ClinVar aggregate classification (germline): Uncertain significance (1 of 4 stars; one submission).

Submission:

Labcorp Genetics (formerly Invitae), Labcorp
Classification: Uncertain significance. Last evaluated: 2024-09-23. Review status: criteria provided, single submitter. Criteria: Invitae Variant Classification Sherloc (09022015). Collection method: clinical testing. Allele origin: germline.
Comment: This sequence change replaces glutamic acid, which is acidic and polar, with aspartic acid, which is acidic and polar, at codon 286 of the MMP14 protein (p.Glu286Asp). This variant is not present in population databases (gnomAD no frequency). This variant has not been reported in the literature in individuals affected with MMP14-related conditions. Invitae Evidence Modeling of protein sequence and biophysical properties (such as structural, functional, and spatial information, amino acid conservation, physicochemical variation, residue mobility, and thermodynamic stability) indicates that this missense variant is not expected to disrupt MMP14 protein function with a negative predictive value of 80%. In summary, the available evidence is currently insufficient to determine the role of this variant in disease. Therefore, it has been classified as a Variant of Uncertain Significance.

NM_004995.4(MMP14):c.858G>C (p.Glu286Asp)

Gene: MMP14 (matrix metallopeptidase 14; plus strand). Cytogenetic location: 14q11.2.
Variant type: single nucleotide variant.
Coding change: c.858G>C on transcript NM_004995.4 (MANE Select); coding-DNA position 858, G replaced by C.
Protein change: p.Glu286Asp; replaces glutamic acid 286 with aspartic acid.
Molecular consequence: missense variant.
Genome position (GRCh38, 1-based): chr14:22,843,717, G>C. VCF-style: chr14-22843717-G-C. GRCh37 (hg19) VCF-style: chr14-23312926-G-C.
Other names: short protein forms E286D.
Identifiers: ClinVar variation 2784127 (VCV002784127.3), dbSNP rs2502067256, ClinGen allele CA388931207.